The following is an entry in ClinVar:

NM_017763.6(RNF43):c.1630G>A (p.Val544Ile)

Gene: RNF43 (ring finger protein 43; minus strand). Cytogenetic location: 17q22.
Variant type: single nucleotide variant.
Coding change: c.1630G>A on transcript NM_017763.6 (MANE Select); coding-DNA position 1630, G replaced by A.
Protein change: p.Val544Ile; replaces valine 544 with isoleucine.
Molecular consequence: missense variant.
Genome position (GRCh38, 1-based): chr17:58,358,146, C>T on the plus strand (G>A on the coding strand, the complement: RNF43 is on the minus strand). VCF-style: chr17-58358146-C-T. GRCh37 (hg19) VCF-style: chr17-56435507-C-T.
Other names: c.1630G>A, p.Val544Ile (NM_001305544.3); c.1249G>A, p.Val417Ile (NM_001305545.2); short protein forms V417I, V544I.
Identifiers: ClinVar variation 1016941 (VCV001016941.9), dbSNP rs1972738963, ClinGen allele CA400329057.

ClinVar aggregate classification (germline): Uncertain significance (1 of 4 stars; one submission).

Submission:

Labcorp Genetics (formerly Invitae), Labcorp
Classification: Uncertain significance. Last evaluated: 2020-02-05. Review status: criteria provided, single submitter. Criteria: Invitae Variant Classification Sherloc (09022015). Collection method: clinical testing. Allele origin: germline.
Comment: In summary, the available evidence is currently insufficient to determine the role of this variant in disease. Therefore, it has been classified as a Variant of Uncertain Significance. Algorithms developed to predict the effect of missense changes on protein structure and function output the following: SIFT: "Tolerated"; PolyPhen-2: "Benign"; Align-GVGD: "Class C0". The isoleucine amino acid residue is found in multiple mammalian species, suggesting that this missense change does not adversely affect protein function. These predictions have not been confirmed by published functional studies and their clinical significance is uncertain. This variant has not been reported in the literature in individuals with RNF43-related conditions. This variant is not present in population databases (ExAC no frequency). This sequence change replaces valine with isoleucine at codon 544 of the RNF43 protein (p.Val544Ile). The valine residue is moderately conserved and there is a small physicochemical difference between valine and isoleucine.